The following is an entry in ClinVar:

ClinVar aggregate classification (germline): Likely benign (0 of 4 stars; one submission).

Conditions:
TAF15-related disorder. Also called: TAF15-related condition.

Submission:

PreventionGenetics, part of Exact Sciences
Classification: Likely benign for TAF15-related condition. Last evaluated: 2023-07-28. Review status: no assertion criteria provided. Collection method: clinical testing. Allele origin: germline.
Comment: This variant is classified as likely benign based on ACMG/AMP sequence variant interpretation guidelines (Richards et al. 2015 PMID: 25741868, with internal and published modifications).

NM_139215.3(TAF15):c.1428A>T (p.Gly476=)

Gene: TAF15 (TATA-box binding protein associated factor 15; plus strand). Cytogenetic location: 17q12.
Variant type: single nucleotide variant.
Coding change: c.1428A>T on transcript NM_139215.3 (MANE Select); coding-DNA position 1428, A replaced by T.
Protein change: p.Gly476=; no amino-acid change (glycine 476 retained).
Molecular consequence: synonymous variant.
Genome position (GRCh38, 1-based): chr17:35,844,727, A>T. VCF-style: chr17-35844727-A-T. GRCh37 (hg19) VCF-style: chr17-34171731-A-T.
Other names: c.1419A>T, p.Gly473= (NM_003487.4).
Identifiers: ClinVar variation 3356832 (VCV003356832.1).